The following is an entry in ClinVar:

NM_016529.6(ATP8A2):c.1580-3C>G

Gene: ATP8A2 (ATPase phospholipid transporting 8A2). Cytogenetic location: 13q12.13.
Variant type: single nucleotide variant.
Coding change: c.1580-3C>G on transcript NM_016529.6 (MANE Select); 3 bases into the intron before coding-DNA position 1580, C replaced by G.
Molecular consequence: intron variant.
Genome position (GRCh38, 1-based): chr13:25,571,607, C>G. VCF-style: chr13-25571607-C-G. GRCh37 (hg19) VCF-style: chr13-26145745-C-G.
Other names: c.1580-3C>G (NM_001411005.1, NM_001411006.1); c.1460-3C>G (NM_001313741.1).
Identifiers: ClinVar variation 3775699 (VCV003775699.1).

ClinVar aggregate classification (germline): Uncertain significance (1 of 4 stars; one submission).

Conditions:
Cerebellar ataxia, impaired intellectual development, and dysequilibrium syndrome 4. Also called: CEREBELLAR ATAXIA AND MENTAL RETARDATION WITH OR WITHOUT QUADRUPEDAL LOCOMOTION 4; Cerebellar ataxia, mental retardation, and dysequilibrium syndrome 4; Cerebellar ataxia, intellectual disability, and dysequilibrium syndrome 4. Identifiers: Orphanet 1766, MedGen C3808977, MONDO:0014104, OMIM 615268.

Submission:

3billion
Classification: Uncertain significance for Cerebellar ataxia, impaired intellectual development, and dysequilibrium syndrome 4. Last evaluated: 2023-08-09. Review status: criteria provided, single submitter. Criteria: ACMG Guidelines, 2015. Collection method: clinical testing. Allele origin: germline. Affected: yes.
Comment: The variant is not observed in the gnomAD v2.1.1 dataset. Predicted Consequence/Location: Intron variant In silico tools predict the variant to alter splicing and produce an abnormal transcript [SpliceAI: 0.90 (>=0.2, moderate evidence for spliceogenicity)]. Therefore, this variant is classified as VUS according to the recommendation of ACMG/AMP guideline.